The following is an entry in ClinVar:

NM_012250.6(RRAS2):c.440G>A (p.Arg147Gln)

Gene: RRAS2 (RAS related 2; minus strand). Cytogenetic location: 11p15.2.
Variant type: single nucleotide variant.
Coding change: c.440G>A on transcript NM_012250.6 (MANE Select); coding-DNA position 440, G replaced by A.
Protein change: p.Arg147Gln; replaces arginine 147 with glutamine.
Molecular consequence: missense variant.
Genome position (GRCh38, 1-based): chr11:14,281,689, C>T on the plus strand (G>A on the coding strand, the complement: RRAS2 is on the minus strand). VCF-style: chr11-14281689-C-T. GRCh37 (hg19) VCF-style: chr11-14303235-C-T.
Other names: c.209G>A, p.Arg70Gln (NM_001102669.3, NM_001177315.2); c.335G>A, p.Arg112Gln (NM_001177314.2); short protein forms R70Q, R112Q, R147Q.
Identifiers: ClinVar variation 2741126 (VCV002741126.4), dbSNP rs377321245, ClinGen allele CA5894269.

ClinVar aggregate classification (germline): Uncertain significance. Review status: criteria provided, multiple submitters, no conflicts (2 of 4 stars). 2 submissions from 2 submitters: Uncertain significance (2). Last evaluated 2025-06-12.

Conditions:
Noonan syndrome (NS). Also called: Noonan's syndrome. Identifiers: Orphanet 648, MedGen C0028326, MeSH D009634, MONDO:0018997. Disease mechanism: gain of function.

Allele frequency attached by ClinVar (database versions not stated): gnomAD exomes 0.00001; TOPMed 0.00005; gnomAD 0.00006; ExAC 0.00005; ESP Exome Variant Server 0.00008.
gnomAD v4.1: 29 of 1,596,336 alleles (0.0018%); highest among the groups gnomAD compares: African/African-American, 0.0095%; no homozygotes.

Submissions (2):

Labcorp Genetics (formerly Invitae), Labcorp
Classification: Uncertain significance. Last evaluated: 2025-06-12. Review status: criteria provided, single submitter. Criteria: Invitae Variant Classification Sherloc (09022015). Collection method: clinical testing. Allele origin: germline.
Comment: This sequence change replaces arginine, which is basic and polar, with glutamine, which is neutral and polar, at codon 147 of the RRAS2 protein (p.Arg147Gln). This variant is present in population databases (rs377321245, gnomAD 0.02%). This variant has not been reported in the literature in individuals affected with RRAS2-related conditions. ClinVar contains an entry for this variant (Variation ID: 2741126). An algorithm developed to predict the effect of missense changes on protein structure and function (PolyPhen-2) suggests that this variant is likely to be tolerated. Experimental studies are conflicting or provide insufficient evidence to determine the effect of this variant on RRAS2 function (PMID: 36476833). In summary, the available evidence is currently insufficient to determine the role of this variant in disease. Therefore, it has been classified as a Variant of Uncertain Significance.

St. Jude Molecular Pathology, St. Jude Children's Research Hospital
Classification: Uncertain significance for Noonan syndrome. Last evaluated: 2024-05-07. Review status: criteria provided, single submitter. Criteria: St. Jude Assertion Criteria 2020. Collection method: clinical testing. Allele origin: germline.
Comment: The RRAS2 c.440G>A (p.Arg147Gln) missense change has a maximum subpopulation frequency of 0.022% in gnomAD v2.1.1. The in silico tool REVEL is inconclusive about a pathogenic or benign effect of this variant on protein function, and to our knowledge functional studies have not been performed. To our knowledge, this variant has not been reported in individuals with Noonan syndrome. In summary, the evidence currently available is insufficient to determine the clinical significance of this variant. It has therefore been classified as of uncertain significance.

Literature cited by the submitters: PubMed 36476833 (cited by Labcorp Genetics (formerly Invitae), Labcorp).